The following is an entry in ClinVar:

NM_001379081.2(FREM1):c.2796C>T (p.Arg932=)

Genes: FREM1 (FRAS1 related extracellular matrix 1; minus strand), LOC126860582 (P300/CBP strongly-dependent group 1 enhancer GRCh37_chr9:14812530-14813729; plus strand). Cytogenetic location: 9p22.3.
Variant type: single nucleotide variant.
Coding change: c.2796C>T on transcript NM_001379081.2 (MANE Select); coding-DNA position 2796, C replaced by T.
Protein change: p.Arg932=; no amino-acid change (arginine 932 retained).
Molecular consequence: synonymous variant. On other transcripts: non-coding transcript variant (2).
Genome position (GRCh38, 1-based): chr9:14,812,909, G>A on the plus strand (C>T on the coding strand, the complement: FREM1 is on the minus strand). VCF-style: chr9-14812909-G-A. GRCh37 (hg19) VCF-style: chr9-14812907-G-A.
Other names: c.2796C>T, p.Arg932= (NM_144966.7).
Identifiers: ClinVar variation 366138 (VCV000366138.22), dbSNP rs138176565, ClinGen allele CA4990810.

ClinVar aggregate classification (germline): Benign/Likely benign. Review status: criteria provided, multiple submitters, no conflicts (2 of 4 stars). 7 submissions from 7 submitters: Benign (1); Likely benign (3). 3 of the submissions do not count toward it. Last evaluated 2026-01-01.

Conditions:
FREM1-related disorder. Also called: FREM1-related condition; FREM1-Related Disorders.
Oculotrichoanal syndrome (MOTA). Also called: MARLES SYNDROME; Manitoba Oculotrichoanal (MOTA) Syndrome. Identifiers: Orphanet 2717, MedGen C1855425, MONDO:0009560, OMIM 248450.

Allele frequency attached by ClinVar (database versions not stated): gnomAD exomes 0.00020 and 0.00059; ExAC 0.00062; 1000 Genomes Project 30x 0.00172; 1000 Genomes Project 0.00180; gnomAD 0.00205 and 0.00227; ESP Exome Variant Server 0.00224; TOPMed 0.00226.
gnomAD v4.1: 620 of 1,613,806 alleles (0.038%); highest among the groups gnomAD compares: African/African-American, 0.68%; 2 homozygotes.

Submissions (7):

CeGaT Center for Human Genetics Tuebingen
Classification: Likely benign. Last evaluated: 2026-01-01. Review status: criteria provided, single submitter. Criteria: CeGaT Center For Human Genetics Tuebingen Variant Classification Criteria Version 2. Collection method: clinical testing. Allele origin: germline. Affected: yes. Observed: 1 variant allele.
Comment: FREM1: BP4, BP7

Labcorp Genetics (formerly Invitae), Labcorp
Classification: Benign. Last evaluated: 2025-11-26. Review status: criteria provided, single submitter. Criteria: Invitae Variant Classification Sherloc (09022015). Collection method: clinical testing. Allele origin: germline.

Blueprint Genetics
Classification: Likely benign. Last evaluated: 2024-07-04. Review status: criteria provided, single submitter. Criteria: ACMG Guidelines, 2015. Collection method: clinical testing. Allele origin: germline.

Illumina Laboratory Services, Illumina
Classification: Likely benign for Oculotrichoanal syndrome. Last evaluated: 2018-01-13. Review status: criteria provided, single submitter. Criteria: ICSL Variant Classification Criteria 13 December 2019. Collection method: clinical testing. Allele origin: germline.
Comment: This variant was observed in the ICSL laboratory as part of a predisposition screen in an ostensibly healthy population. It had not been previously curated by ICSL or reported in the Human Gene Mutation Database (HGMD: prior to June 1st, 2018), and was therefore a candidate for classification through an automated scoring system. Utilizing variant allele frequency, disease prevalence and penetrance estimates, and inheritance mode, an automated score was calculated to assess if this variant is too frequent to cause the disease. Based on the score and internal cut-off values, a variant classified as likely benign is not then subjected to further curation. The score for this variant resulted in a classification of likely benign for this disease.

PreventionGenetics, part of Exact Sciences
Classification: Likely benign for FREM1-related condition. Last evaluated: 2024-02-20. Review status: no assertion criteria provided. Collection method: clinical testing. Allele origin: germline. Not counted in ClinVar's aggregate classification.
Comment: This variant is classified as likely benign based on ACMG/AMP sequence variant interpretation guidelines (Richards et al. 2015 PMID: 25741868, with internal and published modifications).

Clinical Genetics DNA and cytogenetics Diagnostics Lab, Erasmus MC, Erasmus Medical Center
Classification: Likely benign. Review status: no assertion criteria provided. Collection method: clinical testing. Allele origin: germline. Affected: yes. Study: VKGL Data-share Consensus. Not counted in ClinVar's aggregate classification.

Genome Diagnostics Laboratory, University Medical Center Utrecht
Classification: Likely benign. Review status: no assertion criteria provided. Collection method: clinical testing. Allele origin: germline. Affected: yes. Study: VKGL Data-share Consensus. Not counted in ClinVar's aggregate classification.